The following is an entry in ClinVar:

ClinVar aggregate classification (germline): Uncertain significance (1 of 4 stars; one submission).

Conditions:
Combined immunodeficiency due to LRBA deficiency. Also called: Common variable immunodeficiency 8, with autoimmunity. Identifiers: Orphanet 445018, MedGen C3553512, MONDO:0013863, OMIM 614700.

Allele frequency attached by ClinVar (database versions not stated): gnomAD exomes 0.00001 and 0.00003; TOPMed 0.00001; ExAC 0.00002; gnomAD 0.00002.
gnomAD v4.1: 19 of 1,610,620 alleles (0.0012%); highest among the groups gnomAD compares: Admixed American, 0.012%; no homozygotes.

Submission:

Labcorp Genetics (formerly Invitae), Labcorp
Classification: Uncertain significance for Combined immunodeficiency due to LRBA deficiency. Last evaluated: 2021-05-13. Review status: criteria provided, single submitter. Criteria: Invitae Variant Classification Sherloc (09022015). Collection method: clinical testing. Allele origin: germline.
Comment: This sequence change replaces asparagine with aspartic acid at codon 1793 of the LRBA protein (p.Asn1793Asp). The asparagine residue is weakly conserved and there is a small physicochemical difference between asparagine and aspartic acid. This variant is present in population databases (rs777083758, ExAC 0.02%). This variant has not been reported in the literature in individuals with LRBA-related conditions. Algorithms developed to predict the effect of missense changes on protein structure and function (SIFT, PolyPhen-2, Align-GVGD) all suggest that this variant is likely to be tolerated, but these predictions have not been confirmed by published functional studies and their clinical significance is uncertain. Algorithms developed to predict the effect of sequence changes on RNA splicing suggest that this variant may create or strengthen a splice site, but this prediction has not been confirmed by published transcriptional studies. In summary, the available evidence is currently insufficient to determine the role of this variant in disease. Therefore, it has been classified as a Variant of Uncertain Significance.

NM_001364905.1(LRBA):c.5377A>G (p.Asn1793Asp)

Gene: LRBA (LPS responsive beige-like anchor protein; minus strand). Cytogenetic location: 4q31.3.
Variant type: single nucleotide variant.
Coding change: c.5377A>G on transcript NM_001364905.1 (MANE Select); coding-DNA position 5377, A replaced by G.
Protein change: p.Asn1793Asp; replaces asparagine 1793 with aspartic acid.
Molecular consequence: missense variant.
Genome position (GRCh38, 1-based): chr4:150,808,327, T>C on the plus strand (A>G on the coding strand, the complement: LRBA is on the minus strand). VCF-style: chr4-150808327-T-C. GRCh37 (hg19) VCF-style: chr4-151729479-T-C.
Other names: c.5377A>G, p.Asn1793Asp (NM_001199282.3, NM_001367550.1, NM_006726.5); short protein forms N1793D.
Identifiers: ClinVar variation 1525822 (VCV001525822.8), dbSNP rs777083758, ClinGen allele CA3102510.